The following is an entry in ClinVar:

NM_005559.4(LAMA1):c.3938T>A (p.Val1313Asp)

Gene: LAMA1 (laminin subunit alpha 1; minus strand). Cytogenetic location: 18p11.31.
Variant type: single nucleotide variant.
Coding change: c.3938T>A on transcript NM_005559.4 (MANE Select); coding-DNA position 3938, T replaced by A.
Protein change: p.Val1313Asp; replaces valine 1313 with aspartic acid.
Molecular consequence: missense variant.
Genome position (GRCh38, 1-based): chr18:7,009,302, A>T on the plus strand (T>A on the coding strand, the complement: LAMA1 is on the minus strand). VCF-style: chr18-7009302-A-T. GRCh37 (hg19) VCF-style: chr18-7009301-A-T.
Other names: short protein forms V1313D.
Identifiers: ClinVar variation 2996976 (VCV002996976.3), dbSNP rs1366240654, ClinGen allele CA401847967.

ClinVar aggregate classification (germline): Uncertain significance (1 of 4 stars; one submission).

Allele frequency attached by ClinVar (database versions not stated): gnomAD exomes below 0.00001; TOPMed below 0.00001; gnomAD 0.00001.
gnomAD v4.1: 2 of 1,613,964 alleles (0.00012%); highest among the groups gnomAD compares: Admixed American, 0.0017%; no homozygotes.

Submission:

Labcorp Genetics (formerly Invitae), Labcorp
Classification: Uncertain significance. Last evaluated: 2023-12-02. Review status: criteria provided, single submitter. Criteria: Invitae Variant Classification Sherloc (09022015). Collection method: clinical testing. Allele origin: germline.
Comment: This sequence change replaces valine, which is neutral and non-polar, with aspartic acid, which is acidic and polar, at codon 1313 of the LAMA1 protein (p.Val1313Asp). This variant is not present in population databases (gnomAD no frequency). This variant has not been reported in the literature in individuals affected with LAMA1-related conditions. Advanced modeling of protein sequence and biophysical properties (such as structural, functional, and spatial information, amino acid conservation, physicochemical variation, residue mobility, and thermodynamic stability) performed at Invitae indicates that this missense variant is not expected to disrupt LAMA1 protein function with a negative predictive value of 80%. In summary, the available evidence is currently insufficient to determine the role of this variant in disease. Therefore, it has been classified as a Variant of Uncertain Significance.